The following is an entry in ClinVar:

ClinVar aggregate classification (germline): Uncertain significance (1 of 4 stars; one submission).

Conditions:
Cardiovascular phenotype. Identifiers: MedGen CN230736.

Submission:

Ambry Genetics
Classification: Uncertain significance for Cardiovascular phenotype. Last evaluated: 2024-03-11. Review status: criteria provided, single submitter. Criteria: Ambry Variant Classification Scheme 2023. Collection method: clinical testing. Allele origin: germline.
Comment: The c.3305_3323del19 variant, located in coding exon 28 of the RYR2 gene, results from a deletion of 19 nucleotides at nucleotide positions 3305 to 3323, causing a translational frameshift with a predicted alternate stop codon (p.Y1102Sfs*6). This alteration is expected to result in protein truncation or nonsense-mediated mRNA decay. However, loss of function of RYR2 has not been established as a mechanism of disease. Based on the available evidence, the clinical significance of this alteration remains unclear.

NM_001035.3(RYR2):c.3305_3323del (p.Tyr1102fs)

Gene: RYR2 (ryanodine receptor 2; plus strand). Cytogenetic location: 1q43.
Variant type: Deletion.
Coding change: c.3305_3323del on transcript NM_001035.3 (MANE Select); coding-DNA positions 3305 to 3323, 19 bases deleted (ATTTTGAATTTGAGACGGT).
Protein change: p.Tyr1102fs; shifts the reading frame from tyrosine 1102.
Molecular consequence: frameshift variant.
Genome position (GRCh38, 1-based): chr1:237,566,657-237,566,675, ATTTTGAATTTGAGACGGT deleted; deleting any 19 consecutive bases within chr1:237,566,654-237,566,675 gives the same sequence; the c. name uses the placement nearest the transcript's 3' end. VCF-style (leftmost placement, unchanged base first): chr1-237566653-TGGTATTTTGAATTTGAGAC-T. GRCh37 (hg19) VCF-style: chr1-237729953-TGGTATTTTGAATTTGAGAC-T.
Other names: short protein forms Y1102fs.
Identifiers: ClinVar variation 3232392 (VCV003232392.1), dbSNP rs2546424979, ClinGen allele CA2825000953.